The following is an entry in ClinVar:

ClinVar aggregate classification (germline): Likely pathogenic (1 of 4 stars; one submission).

Submission:

Mayo Clinic Laboratories, Mayo Clinic
Classification: Likely pathogenic. Last evaluated: 2025-09-30. Review status: criteria provided, single submitter. Criteria: ACMG Guidelines, 2015. Collection method: clinical testing. Allele origin: germline. Observed: 1 variant allele.
Comment: PM2_supporting, PVS1

NM_001355436.2(SPTB):c.2608_2609insA (p.Trp870Ter)

Gene: SPTB (spectrin beta, erythrocytic; minus strand). Cytogenetic location: 14q23.3.
Variant type: Insertion.
Coding change: c.2608_2609insA on transcript NM_001355436.2 (MANE Select); coding-DNA positions 2608 to 2609, A inserted.
Protein change: p.Trp870Ter; replaces tryptophan 870 with a stop codon.
Molecular consequence: nonsense.
Genome position: GRCh38 VCF-style: chr14-64793054-C-CT. GRCh37 (hg19) VCF-style: chr14-65259772-C-CT.
Other names: p.Trp870*; c.2608_2609insA, p.Trp870Ter (NM_001024858.4, NM_001355437.2); short protein forms W870*.
Identifiers: ClinVar variation 4541856 (VCV004541856.1).